The following is an entry in ClinVar:

ClinVar aggregate classification (germline): Uncertain significance (1 of 4 stars; one submission).

Submission:

Labcorp Genetics (formerly Invitae), Labcorp
Classification: Uncertain significance. Last evaluated: 2025-09-30. Review status: criteria provided, single submitter. Criteria: Invitae Variant Classification Sherloc (09022015). Collection method: clinical testing. Allele origin: germline.
Comment: This sequence change replaces aspartic acid, which is acidic and polar, with histidine, which is basic and polar, at codon 53 of the DNAJB13 protein (p.Asp53His). This variant is not present in population databases (gnomAD no frequency). This variant has not been reported in the literature in individuals affected with DNAJB13-related conditions. Invitae Evidence Modeling of protein sequence and biophysical properties (such as structural, functional, and spatial information, amino acid conservation, physicochemical variation, residue mobility, and thermodynamic stability) indicates that this missense variant is not expected to disrupt DNAJB13 protein function with a negative predictive value of 80%. In summary, the available evidence is currently insufficient to determine the role of this variant in disease. Therefore, it has been classified as a Variant of Uncertain Significance.

NM_153614.4(DNAJB13):c.157G>C (p.Asp53His)

Gene: DNAJB13 (DnaJ heat shock protein family (Hsp40) member B13; plus strand). Cytogenetic location: 11q13.4.
Variant type: single nucleotide variant.
Coding change: c.157G>C on transcript NM_153614.4 (MANE Select); coding-DNA position 157, G replaced by C.
Protein change: p.Asp53His; replaces aspartic acid 53 with histidine.
Molecular consequence: missense variant. On other transcripts: 5 prime UTR variant (1).
Genome position (GRCh38, 1-based): chr11:73,958,405, G>C. VCF-style: chr11-73958405-G-C. GRCh37 (hg19) VCF-style: chr11-73669450-G-C.
Other names: c.-149G>C (NM_001377263.1); c.157G>C, p.Asp53His (NM_001441321.1); short protein forms D53H.
Identifiers: ClinVar variation 4743805 (VCV004743805.1).
Genomic context (GRCh38, chr11:73,958,405, plus strand): 5'-CCGTTGAAGTCAAATGAGCCGTCTTCAGCAGAGATTTTCAGGCAAATAGCAGAGGCCTAC[G>C]ACGTGCTGAGTGACCGTGAGTAGGTGTGGGGCTGAGCACCCCGCTTGATTAGGATCATTC-3'
Protein context (NP_705842.2, residues 43-63): EIFRQIAEAY[Asp53His]VLSDPMKRGI